The following is an entry in ClinVar:

ClinVar aggregate classification (germline): Pathogenic (1 of 4 stars; one submission).

Conditions:
COG5-congenital disorder of glycosylation. Also called: COG5-CDG; CONGENITAL DISORDER OF GLYCOSYLATION, TYPE IIi; CDG IIi. Identifiers: Orphanet 263487, MedGen C3150876, MONDO:0013325, OMIM 613612.

Submission:

Labcorp Genetics (formerly Invitae), Labcorp
Classification: Pathogenic for COG5-congenital disorder of glycosylation. Last evaluated: 2023-08-02. Review status: criteria provided, single submitter. Criteria: Invitae Variant Classification Sherloc (09022015). Collection method: clinical testing. Allele origin: germline.
Comment: For these reasons, this variant has been classified as Pathogenic. This variant has not been reported in the literature in individuals affected with COG5-related conditions. This variant is a gross deletion of the genomic region encompassing exon(s) 9-10 of the COG5 gene. This deletion is out-of-frame, and is expected to create a premature termination codon and result in an absent or disrupted protein product. Loss-of-function variants in COG5 are known to be pathogenic (PMID: 23228021).

Literature cited by the submitters: PubMed 23228021.

NC_000007.13:g.(?_107002458)_(107002885_?)del

Gene: COG5 (component of oligomeric golgi complex 5; minus strand). Cytogenetic location: 7q22.3.
Variant type: Deletion.
Identifiers: ClinVar variation 1459555 (VCV001459555.5).